The following is an entry in ClinVar:

NM_020638.3(FGF23):c.10dup (p.Ala4fs)

Gene: FGF23 (fibroblast growth factor 23; minus strand). Cytogenetic location: 12p13.32.
Variant type: Duplication.
Coding change: c.10dup on transcript NM_020638.3 (MANE Select); coding-DNA position 10, one base duplicated (G; older notation c.10dupG).
Protein change: p.Ala4fs; shifts the reading frame from alanine 4.
Molecular consequence: frameshift variant.
Genome position (GRCh38, 1-based): chr12:4,379,573, C duplicated on the plus strand (G on the coding strand, the reverse complement: FGF23 is on the minus strand); the first of 5 consecutive C bases (chr12:4,379,573-4,379,577); duplicating any one gives the same sequence. VCF-style (leftmost placement, unchanged base first): chr12-4379572-G-GC. GRCh37 (hg19) VCF-style: chr12-4488738-G-GC.
Other names: short protein forms A4fs.
Identifiers: ClinVar variation 3659030 (VCV003659030.2).

ClinVar aggregate classification (germline): Uncertain significance (1 of 4 stars; one submission).

Submission:

Labcorp Genetics (formerly Invitae), Labcorp
Classification: Uncertain significance. Last evaluated: 2024-07-16. Review status: criteria provided, single submitter. Criteria: Invitae Variant Classification Sherloc (09022015). Collection method: clinical testing. Allele origin: germline.
Comment: This sequence change creates a premature translational stop signal (p.Ala4Glyfs*219) in the FGF23 gene. While this is not anticipated to result in nonsense mediated decay, it is expected to disrupt the last 248 amino acid(s) of the FGF23 protein. This variant is not present in population databases (gnomAD no frequency). This variant has not been reported in the literature in individuals affected with FGF23-related conditions. In summary, the available evidence is currently insufficient to determine the role of this variant in disease. Therefore, it has been classified as a Variant of Uncertain Significance.